The following is an entry in ClinVar:

ClinVar aggregate classification (germline): Uncertain significance. Review status: criteria provided, multiple submitters, no conflicts (2 of 4 stars). 2 submissions from 2 submitters: Uncertain significance (2). Last evaluated 2025-11-20.

Allele frequency attached by ClinVar (database versions not stated): gnomAD 0.00001; TOPMed 0.00001.
gnomAD v4.1: 12 of 1,613,968 alleles (0.00074%); highest among the groups gnomAD compares: East Asian, 0.0022%; no homozygotes.

Submissions (2):

Ambry Genetics
Classification: Uncertain significance. Last evaluated: 2025-11-20. Review status: criteria provided, single submitter. Criteria: Ambry Variant Classification Scheme 2023. Collection method: clinical testing. Allele origin: germline.

Labcorp Genetics (formerly Invitae), Labcorp
Classification: Uncertain significance. Last evaluated: 2025-03-31. Review status: criteria provided, single submitter. Criteria: Invitae Variant Classification Sherloc (09022015). Collection method: clinical testing. Allele origin: germline.
Comment: This sequence change replaces asparagine, which is neutral and polar, with serine, which is neutral and polar, at codon 691 of the ACACA protein (p.Asn691Ser). This variant is not present in population databases (gnomAD no frequency). This variant has not been reported in the literature in individuals affected with ACACA-related conditions. ClinVar contains an entry for this variant (Variation ID: 1399498). An algorithm developed to predict the effect of missense changes on protein structure and function (PolyPhen-2) suggests that this variant is likely to be tolerated. In summary, the available evidence is currently insufficient to determine the role of this variant in disease. Therefore, it has been classified as a Variant of Uncertain Significance.

NM_198834.3(ACACA):c.2183A>G (p.Asn728Ser)

Gene: ACACA (acetyl-CoA carboxylase alpha; minus strand). Cytogenetic location: 17q12.
Variant type: single nucleotide variant.
Coding change: c.2183A>G on transcript NM_198834.3 (MANE Select); coding-DNA position 2183, A replaced by G.
Protein change: p.Asn728Ser; replaces asparagine 728 with serine.
Molecular consequence: missense variant.
Genome position (GRCh38, 1-based): chr17:37,248,137, T>C on the plus strand (A>G on the coding strand, the complement: ACACA is on the minus strand). VCF-style: chr17-37248137-T-C. GRCh37 (hg19) VCF-style: chr17-35605061-T-C.
Other names: c.2072A>G (NM_198839.1); c.2072A>G, p.Asn691Ser (NM_198836.3, NM_198839.3); c.1898A>G, p.Asn633Ser (NM_198837.2); c.1838A>G, p.Asn613Ser (NM_198838.2); short protein forms N691S, N613S, N633S, N728S.
Identifiers: ClinVar variation 1399498 (VCV001399498.8), dbSNP rs2080807403, ClinGen allele CA399193132.
Genomic context (GRCh38, chr17:37,248,137, plus strand): 5'-TCACTCAGCCGATGTACATCTACTTCTACACATGAGCCATTCATGATCACCACATAGGAG[T>C]TGGGGGACTGTCGAGTCACCTGTAGGGAATGAGAATGAGGATCAGTGTGTCCCTTCCAGG-3'
Protein context (NP_942131.1, residues 718-738): YVLKVTRQSP[Asn728Ser]SYVVIMNGSC